The following is an entry in ClinVar:

NM_001204.7(BMPR2):c.120T>A (p.Tyr40Ter)

Gene: BMPR2 (bone morphogenetic protein receptor type 2; plus strand). Cytogenetic location: 2q33.1.
Variant type: single nucleotide variant.
Coding change: c.120T>A on transcript NM_001204.7 (MANE Select); coding-DNA position 120, T replaced by A.
Protein change: p.Tyr40Ter; replaces tyrosine 40 with a stop codon.
Molecular consequence: nonsense.
Genome position (GRCh38, 1-based): chr2:202,464,852, T>A. VCF-style: chr2-202464852-T-A. GRCh37 (hg19) VCF-style: chr2-203329575-T-A.
Other names: short protein forms Y40*.
Identifiers: ClinVar variation 1387800 (VCV001387800.6), dbSNP rs137852755, ClinGen allele CA350399138.
Genomic context (GRCh38, chr2:202,464,852, plus strand): 5'-TATTTCCTTTATTTTAGCTTCGCAGAATCAAGAACGGCTATGTGCGTTTAAAGATCCGTA[T>A]CAGCAAGACCTTGGGATAGGTGAGAGTAGAATCTCTCATGAAAATGGGACAATATTATGC-3'

ClinVar aggregate classification (germline): Pathogenic (1 of 4 stars; one submission).

Conditions:
Primary pulmonary hypertension. Also called: Idiopathic pulmonary hypertension. Identifiers: MedGen C0152171.

Submission:

Labcorp Genetics (formerly Invitae), Labcorp
Classification: Pathogenic for Primary pulmonary hypertension. Last evaluated: 2021-07-04. Review status: criteria provided, single submitter. Criteria: Invitae Variant Classification Sherloc (09022015). Collection method: clinical testing. Allele origin: germline.
Comment: For these reasons, this variant has been classified as Pathogenic. This variant has not been reported in the literature in individuals affected with BMPR2-related conditions. This variant is not present in population databases (ExAC no frequency). This sequence change creates a premature translational stop signal (p.Tyr40*) in the BMPR2 gene. It is expected to result in an absent or disrupted protein product. Loss-of-function variants in BMPR2 are known to be pathogenic (PMID: 16429395).

Literature cited by the submitters: PubMed 16429395.